The following is an entry in ClinVar:

ClinVar aggregate classification (germline): Uncertain significance (1 of 4 stars; one submission).

Submission:

Labcorp Genetics (formerly Invitae), Labcorp
Classification: Uncertain significance. Last evaluated: 2022-08-16. Review status: criteria provided, single submitter. Criteria: Invitae Variant Classification Sherloc (09022015). Collection method: clinical testing. Allele origin: germline.
Comment: In summary, the available evidence is currently insufficient to determine the role of this variant in disease. Therefore, it has been classified as a Variant of Uncertain Significance. Variants that disrupt the consensus splice site are a relatively common cause of aberrant splicing (PMID: 17576681, 9536098). Algorithms developed to predict the effect of sequence changes on RNA splicing suggest that this variant may disrupt the consensus splice site. This variant has not been reported in the literature in individuals affected with PCDH15-related conditions. This variant is not present in population databases (gnomAD no frequency). This sequence change falls in intron 31 of the PCDH15 gene. It does not directly change the encoded amino acid sequence of the PCDH15 protein. It affects a nucleotide within the consensus splice site.

Literature cited by the submitters: PubMed 17576681; PubMed 9536098.

NM_001384140.1(PCDH15):c.4211+5G>T

Gene: PCDH15 (protocadherin related 15; minus strand). Cytogenetic location: 10q21.1.
Variant type: single nucleotide variant.
Coding change: c.4211+5G>T on transcript NM_001384140.1 (MANE Select); 5 bases into the intron after coding-DNA position 4211, G replaced by T.
Molecular consequence: intron variant.
Genome position (GRCh38, 1-based): chr10:53,828,560, C>A on the plus strand (G>T on the coding strand, the complement: PCDH15 is on the minus strand). VCF-style: chr10-53828560-C-A. GRCh37 (hg19) VCF-style: chr10-55588320-C-A.
Other names: c.4211+5G>T (NM_001354420.2, NM_001354429.2, NM_001142772.2 and 3 more transcripts); c.4226+5G>T (NM_001142771.2, NM_001142763.2); c.4232+5G>T (NM_001354411.2); c.4247+5G>T (NM_001142769.3); c.4145+5G>T (NM_001354404.2, NM_001142768.2); c.4137-1012G>T (NM_001142773.2); c.4092-1012G>T (NM_001142767.2); c.3998+5G>T (NM_001142765.2); and 1 more.
Identifiers: ClinVar variation 2086729 (VCV002086729.4), dbSNP rs2492590930, ClinGen allele CA2580081782.